The following is an entry in ClinVar:

NM_006415.4(SPTLC1):c.342C>A (p.Asn114Lys)

Gene: SPTLC1 (serine palmitoyltransferase long chain base subunit 1; minus strand). Cytogenetic location: 9q22.31.
Variant type: single nucleotide variant.
Coding change: c.342C>A on transcript NM_006415.4 (MANE Select); coding-DNA position 342, C replaced by A.
Protein change: p.Asn114Lys; replaces asparagine 114 with lysine.
Molecular consequence: missense variant. On other transcripts: 5 prime UTR variant (2).
Genome position (GRCh38, 1-based): chr9:92,080,882, G>T on the plus strand (C>A on the coding strand, the complement: SPTLC1 is on the minus strand). VCF-style: chr9-92080882-G-T. GRCh37 (hg19) VCF-style: chr9-94843164-G-T.
Other names: c.342C>A, p.Asn114Lys (NM_001281303.2, NM_178324.3); c.-158C>A (NM_001368272.1); c.-124C>A (NM_001368273.1); short protein forms N114K.
Identifiers: ClinVar variation 657806 (VCV000657806.8), dbSNP rs752029386, ClinGen allele CA5121601.

ClinVar aggregate classification (germline): Uncertain significance (1 of 4 stars; one submission).

Conditions:
Hereditary sensory and autonomic neuropathy type 1 (HSAN1). Also called: HSAN 1; HSN Type I; Hereditary Sensory Neuropathy Type I. Identifiers: Orphanet 36386, MedGen C0020071, MONDO:0018213.

Allele frequency attached by ClinVar (database versions not stated): gnomAD 0.00001; TOPMed below 0.00001; ExAC 0.00001.
gnomAD v4.1: 4 of 1,612,660 alleles (0.00025%); highest among the groups gnomAD compares: East Asian, 0.0022%; no homozygotes.

Submission:

Labcorp Genetics (formerly Invitae), Labcorp
Classification: Uncertain significance for Hereditary sensory and autonomic neuropathy type 1. Last evaluated: 2023-09-05. Review status: criteria provided, single submitter. Criteria: Invitae Variant Classification Sherloc (09022015). Collection method: clinical testing. Allele origin: germline.
Comment: This sequence change replaces asparagine, which is neutral and polar, with lysine, which is basic and polar, at codon 114 of the SPTLC1 protein (p.Asn114Lys). This variant is present in population databases (rs752029386, gnomAD 0.003%). This missense change has been observed in individual(s) with amyotrophic lateral sclerosis (PMID: 36966328). ClinVar contains an entry for this variant (Variation ID: 657806). Advanced modeling of protein sequence and biophysical properties (such as structural, functional, and spatial information, amino acid conservation, physicochemical variation, residue mobility, and thermodynamic stability) performed at Invitae indicates that this missense variant is not expected to disrupt SPTLC1 protein function. In summary, the available evidence is currently insufficient to determine the role of this variant in disease. Therefore, it has been classified as a Variant of Uncertain Significance.

Literature cited by the submitters: PubMed 36966328.